The following is an entry in ClinVar:

NM_005431.2(XRCC2):c.113C>T (p.Pro38Leu)

Gene: XRCC2 (X-ray repair cross complementing 2; minus strand). Cytogenetic location: 7q36.1.
Variant type: single nucleotide variant.
Coding change: c.113C>T on transcript NM_005431.2 (MANE Select); coding-DNA position 113, C replaced by T.
Protein change: p.Pro38Leu; replaces proline 38 with leucine.
Molecular consequence: missense variant.
Genome position (GRCh38, 1-based): chr7:152,660,709, G>A on the plus strand (C>T on the coding strand, the complement: XRCC2 is on the minus strand). VCF-style: chr7-152660709-G-A. GRCh37 (hg19) VCF-style: chr7-152357794-G-A.
Other names: short protein forms P38L.
Identifiers: ClinVar variation 2447437 (VCV002447437.4), dbSNP rs2485896764, ClinGen allele CA370199406.

ClinVar aggregate classification (germline): Uncertain significance. Review status: criteria provided, multiple submitters, no conflicts (2 of 4 stars). 2 submissions from 2 submitters: Uncertain significance (2). Last evaluated 2025-03-05.

Conditions:
Hereditary cancer-predisposing syndrome. Also called: Hereditary Cancer Syndrome; Neoplastic Syndromes, Hereditary; Tumor predisposition; Hereditary neoplastic syndrome. Identifiers: Orphanet 140162, MedGen C0027672, MeSH D009386, MONDO:0015356.

gnomAD v4.1: 2 of 1,612,600 alleles (0.00012%); highest among the groups gnomAD compares: Admixed American, 0.0017%; no homozygotes.

Submissions (2):

Ambry Genetics
Classification: Uncertain significance for Hereditary cancer-predisposing syndrome. Last evaluated: 2025-03-05. Review status: criteria provided, single submitter. Criteria: Ambry Variant Classification Scheme 2023. Collection method: clinical testing. Allele origin: germline.
Comment: The p.P38L variant (also known as c.113C>T), located in coding exon 2 of the XRCC2 gene, results from a C to T substitution at nucleotide position 113. The proline at codon 38 is replaced by leucine, an amino acid with similar properties. This amino acid position is conserved. In addition, this alteration is predicted to be tolerated by in silico analysis. Since supporting evidence is limited at this time, the clinical significance of this alteration remains unclear.

Blueprint Genetics
Classification: Uncertain significance. Last evaluated: 2020-12-01. Review status: criteria provided, single submitter. Criteria: ACMG Guidelines, 2015. Collection method: clinical testing. Allele origin: germline.